The following is an entry in ClinVar:

NM_020708.5(SLC12A5):c.2350G>T (p.Asp784Tyr)

Gene: SLC12A5 (solute carrier family 12 member 5; plus strand). Cytogenetic location: 20q13.12.
Variant type: single nucleotide variant.
Coding change: c.2350G>T on transcript NM_020708.5 (MANE Select); coding-DNA position 2350, G replaced by T.
Protein change: p.Asp784Tyr; replaces aspartic acid 784 with tyrosine.
Molecular consequence: missense variant.
Genome position (GRCh38, 1-based): chr20:46,051,843, G>T. VCF-style: chr20-46051843-G-T. GRCh37 (hg19) VCF-style: chr20-44680482-G-T.
Other names: c.2419G>T, p.Asp807Tyr (NM_001134771.2); short protein forms D807Y, D784Y.
Identifiers: ClinVar variation 955243 (VCV000955243.10), dbSNP rs2084649437, ClinGen allele CA409203623.

ClinVar aggregate classification (germline): Uncertain significance (1 of 4 stars; one submission).

Conditions:
Developmental and epileptic encephalopathy, 34 (DEE34). Also called: Early infantile epileptic encephalopathy 34; SLC12A5-Related Epilepsy of Infancy with Migrating Focal Seizures. Identifiers: Orphanet 293181, MedGen C4225257, MONDO:0014718, OMIM 616645.

Submission:

Labcorp Genetics (formerly Invitae), Labcorp
Classification: Uncertain significance for Developmental and epileptic encephalopathy, 34. Last evaluated: 2022-03-19. Review status: criteria provided, single submitter. Criteria: Invitae Variant Classification Sherloc (09022015). Collection method: clinical testing. Allele origin: germline.
Comment: ClinVar contains an entry for this variant (Variation ID: 955243). Advanced modeling of protein sequence and biophysical properties (such as structural, functional, and spatial information, amino acid conservation, physicochemical variation, residue mobility, and thermodynamic stability) performed at Invitae indicates that this missense variant is not expected to disrupt SLC12A5 protein function. In summary, the available evidence is currently insufficient to determine the role of this variant in disease. Therefore, it has been classified as a Variant of Uncertain Significance. This variant has not been reported in the literature in individuals affected with SLC12A5-related conditions. This sequence change replaces aspartic acid, which is acidic and polar, with tyrosine, which is neutral and polar, at codon 784 of the SLC12A5 protein (p.Asp784Tyr). This variant is not present in population databases (gnomAD no frequency).